The following is an entry in ClinVar:

NM_005604.4(POU3F2):c.435G>A (p.Gln145=)

Gene: POU3F2 (POU class 3 homeobox 2; plus strand). Cytogenetic location: 6q16.1.
Variant type: single nucleotide variant.
Coding change: c.435G>A on transcript NM_005604.4 (MANE Select); coding-DNA position 435, G replaced by A.
Protein change: p.Gln145=; no amino-acid change (glutamine 145 retained).
Molecular consequence: synonymous variant.
Genome position (GRCh38, 1-based): chr6:98,835,308, G>A. VCF-style: chr6-98835308-G-A. GRCh37 (hg19) VCF-style: chr6-99283184-G-A.
Identifiers: ClinVar variation 3239172 (VCV003239172.19), dbSNP rs1769980604.

ClinVar aggregate classification (germline): Likely benign (1 of 4 stars; one submission).

Submission:

CeGaT Center for Human Genetics Tuebingen
Classification: Likely benign. Last evaluated: 2024-05-01. Review status: criteria provided, single submitter. Criteria: CeGaT Center For Human Genetics Tuebingen Variant Classification Criteria Version 2. Collection method: clinical testing. Allele origin: germline. Affected: yes. Observed: 1 variant allele.
Comment: POU3F2: PM2:Supporting, BP4, BP7